The following is an entry in ClinVar:

ClinVar aggregate classification (germline): Uncertain significance (1 of 4 stars; one submission).

Submission:

GeneDx
Classification: Uncertain significance. Last evaluated: 2025-01-23. Review status: criteria provided, single submitter. Criteria: GeneDx Variant Classification Process June 2021. Collection method: clinical testing. Allele origin: germline. Affected: yes.
Comment: Not observed at significant frequency in large population cohorts (gnomAD); In silico analysis supports that this missense variant has a deleterious effect on protein structure/function; Has not been previously published as pathogenic or benign to our knowledge

NM_000540.3(RYR1):c.10591G>C (p.Asp3531His)

Gene: RYR1 (ryanodine receptor 1; plus strand). Cytogenetic location: 19q13.2.
Variant type: single nucleotide variant.
Coding change: c.10591G>C on transcript NM_000540.3 (MANE Select); coding-DNA position 10591, G replaced by C.
Protein change: p.Asp3531His; replaces aspartic acid 3531 with histidine.
Molecular consequence: missense variant.
Genome position (GRCh38, 1-based): chr19:38,525,467, G>C. VCF-style: chr19-38525467-G-C. GRCh37 (hg19) VCF-style: chr19-39016107-G-C.
Other names: c.10576G>C, p.Asp3526His (NM_001042723.2); short protein forms D3526H, D3531H.
Identifiers: ClinVar variation 4071730 (VCV004071730.1).